The following is an entry in ClinVar:

NM_170682.4(P2RX2):c.888G>A (p.Ser296=)

Gene: P2RX2 (purinergic receptor P2X 2; plus strand). Cytogenetic location: 12q24.33.
Variant type: single nucleotide variant.
Coding change: c.888G>A on transcript NM_170682.4 (MANE Select); coding-DNA position 888, G replaced by A.
Protein change: p.Ser296=; no amino-acid change (serine 296 retained).
Molecular consequence: synonymous variant.
Genome position (GRCh38, 1-based): chr12:132,621,114, G>A. VCF-style: chr12-132621114-G-A. GRCh37 (hg19) VCF-style: chr12-133197700-G-A.
Other names: c.786G>A, p.Ser262= (NM_001282164.2); c.888G>A, p.Ser296= (NM_001282165.2, NM_170683.4, NM_174873.3); c.672G>A, p.Ser224= (NM_012226.5); c.816G>A, p.Ser272= (NM_016318.4); c.612G>A, p.Ser204= (NM_174872.3).
Identifiers: ClinVar variation 1701218 (VCV001701218.31), dbSNP rs761621258, ClinGen allele CA6891691.
Genomic context (GRCh38, chr12:132,621,114, plus strand): 5'-ATCGGAGTGCAACCCCAAGTACTCCTTCCGGAGGCTTGACCCCAAGCACGTGCCTGCCTC[G>A]TCAGGCTACAACTTCAGGTGCTGTACTTGGGACACCGCTGTCCACACTGGCATAGCTGTG-3'
Protein context (NP_733782.1, residues 286-306): RRLDPKHVPA[Ser296=]SGYNFRFAKY

ClinVar aggregate classification (germline): Likely benign (1 of 4 stars; one submission).

Allele frequency attached by ClinVar (database versions not stated): gnomAD exomes 0.00010; ExAC 0.00012; gnomAD 0.00018 and 0.00020.
gnomAD v4.1: 206 of 1,613,960 alleles (0.013%); highest among the groups gnomAD compares: Middle Eastern, 0.033%; 1 homozygote.

Submission:

CeGaT Center for Human Genetics Tuebingen
Classification: Likely benign. Last evaluated: 2022-07-01. Review status: criteria provided, single submitter. Criteria: CeGaT Center For Human Genetics Tuebingen Variant Classification Criteria Version 2. Collection method: clinical testing. Allele origin: germline. Affected: yes. Observed: 1 variant allele.
Comment: P2RX2: BP4, BP7